The following is an entry in ClinVar:

ClinVar aggregate classification (germline): Uncertain significance. Review status: criteria provided, multiple submitters, no conflicts (2 of 4 stars). 2 submissions from 2 submitters: Uncertain significance (2). Last evaluated 2024-11-20.

Conditions:
Rhabdoid tumor predisposition syndrome 2 (RTPS2). Identifiers: Orphanet 231108, Orphanet 69077, MedGen C2750074, MONDO:0013224, OMIM 613325.
Hereditary cancer-predisposing syndrome. Also called: Neoplastic Syndromes, Hereditary; Tumor predisposition; Hereditary neoplastic syndrome; Hereditary Cancer Syndrome. Identifiers: Orphanet 140162, MedGen C0027672, MeSH D009386, MONDO:0015356.

Allele frequency attached by ClinVar (database versions not stated): gnomAD exomes below 0.00001.

Submissions (2):

Labcorp Genetics (formerly Invitae), Labcorp
Classification: Uncertain significance for Rhabdoid tumor predisposition syndrome 2. Last evaluated: 2024-11-20. Review status: criteria provided, single submitter. Criteria: Invitae Variant Classification Sherloc (09022015). Collection method: clinical testing. Allele origin: germline.
Comment: This sequence change replaces methionine, which is neutral and non-polar, with threonine, which is neutral and polar, at codon 1562 of the SMARCA4 protein (p.Met1562Thr). This variant is not present in population databases (gnomAD no frequency). This variant has not been reported in the literature in individuals affected with SMARCA4-related conditions. ClinVar contains an entry for this variant (Variation ID: 825096). Invitae Evidence Modeling of protein sequence and biophysical properties (such as structural, functional, and spatial information, amino acid conservation, physicochemical variation, residue mobility, and thermodynamic stability) has been performed for this missense variant. However, the output from this modeling did not meet the statistical confidence thresholds required to predict the impact of this variant on SMARCA4 protein function. In summary, the available evidence is currently insufficient to determine the role of this variant in disease. Therefore, it has been classified as a Variant of Uncertain Significance.

Ambry Genetics
Classification: Uncertain significance for Hereditary cancer-predisposing syndrome. Last evaluated: 2019-09-27. Review status: criteria provided, single submitter. Criteria: Ambry Variant Classification Scheme 2023. Collection method: clinical testing. Allele origin: germline.
Comment: The p.M1562T variant (also known as c.4685T>C), located in coding exon 32 of the SMARCA4 gene, results from a T to C substitution at nucleotide position 4685. The methionine at codon 1562 is replaced by threonine, an amino acid with similar properties. This amino acid position is highly conserved in available vertebrate species. In addition, this alteration is predicted to be tolerated by in silico analysis. Since supporting evidence is limited at this time, the clinical significance of this alteration remains unclear.

NM_003072.5(SMARCA4):c.4589T>C (p.Met1530Thr)

Gene: SMARCA4 (SWI/SNF related BAF chromatin remodeling complex subunit ATPase 4; plus strand). Cytogenetic location: 19p13.2.
Variant type: single nucleotide variant.
Coding change: c.4589T>C on transcript NM_003072.5 (MANE Select); coding-DNA position 4589, T replaced by C.
Protein change: p.Met1530Thr; replaces methionine 1530 with threonine.
Molecular consequence: missense variant. On other transcripts: non-coding transcript variant (1).
Genome position (GRCh38, 1-based): chr19:11,058,843, T>C. VCF-style: chr19-11058843-T-C. GRCh37 (hg19) VCF-style: chr19-11169519-T-C.
Other names: c.4589T>C, p.Met1530Thr (NM_001128844.3); c.4499T>C, p.Met1500Thr (NM_001128845.2); c.4496T>C, p.Met1499Thr (NM_001128846.2); c.4490T>C, p.Met1497Thr (NM_001128847.4, NM_001374457.1); c.4487T>C, p.Met1496Thr (NM_001128848.2); c.4685T>C, p.Met1562Thr (NM_001128849.3); short protein forms M1497T, M1499T, M1530T, M1562T, M1496T, M1500T.
Identifiers: ClinVar variation 825096 (VCV000825096.12), dbSNP rs1600635680, ClinGen allele CA404078932.
Genomic context (GRCh38, chr19:11,058,843, plus strand): 5'-TGCAGGAGCGCATTCGCAACCACAAGTACCGCAGCCTCAACGACCTAGAGAAGGACGTCA[T>C]GCTCCTGTGCCAGAACGCACAGACCTTCAACCTGGAGGGCTCCCTGGTGAGGGCACCGCT-3'
Protein context (NP_003063.2, residues 1520-1540): RSLNDLEKDV[Met1530Thr]LLCQNAQTFN